The following is an entry in ClinVar:

ClinVar aggregate classification (germline): Uncertain significance. Review status: criteria provided, multiple submitters, no conflicts (2 of 4 stars). 2 submissions from 2 submitters: Uncertain significance (2). Last evaluated 2025-11-24.

Conditions:
Inborn genetic diseases. Identifiers: MedGen C0950123, MeSH D030342.
Congenital sideroblastic anemia-B-cell immunodeficiency-periodic fever-developmental delay syndrome. Also called: Sideroblastic anemia with B-cell immunodeficiency, periodic fevers, and developmental delay. Identifiers: Orphanet 369861, MedGen C4015172, MONDO:0014487, OMIM 616084.

Allele frequency attached by ClinVar (database versions not stated): gnomAD exomes 0.00002 and 0.00004; ESP Exome Variant Server 0.00008; gnomAD 0.00005; ExAC 0.00005; TOPMed 0.00006.
gnomAD v4.1: 43 of 1,614,018 alleles (0.0027%); highest among the groups gnomAD compares: African/African-American, 0.015%; no homozygotes.

Submissions (2):

Ambry Genetics
Classification: Uncertain significance for Inborn genetic diseases. Last evaluated: 2025-11-24. Review status: criteria provided, single submitter. Criteria: Ambry Variant Classification Scheme 2023. Collection method: clinical testing. Allele origin: germline.

Labcorp Genetics (formerly Invitae), Labcorp
Classification: Uncertain significance for Congenital sideroblastic anemia-B-cell immunodeficiency-periodic fever-developmental delay syndrome. Last evaluated: 2022-02-18. Review status: criteria provided, single submitter. Criteria: Invitae Variant Classification Sherloc (09022015). Collection method: clinical testing. Allele origin: germline.
Comment: This sequence change replaces isoleucine, which is neutral and non-polar, with valine, which is neutral and non-polar, at codon 233 of the TRNT1 protein (p.Ile233Val). This variant is present in population databases (rs377218988, gnomAD 0.008%). This variant has not been reported in the literature in individuals affected with TRNT1-related conditions. ClinVar contains an entry for this variant (Variation ID: 960307). Algorithms developed to predict the effect of missense changes on protein structure and function are either unavailable or do not agree on the potential impact of this missense change (SIFT: "Deleterious"; PolyPhen-2: "Benign"; Align-GVGD: "Class C25"). In summary, the available evidence is currently insufficient to determine the role of this variant in disease. Therefore, it has been classified as a Variant of Uncertain Significance.

NM_182916.3(TRNT1):c.697A>G (p.Ile233Val)

Gene: TRNT1 (tRNA nucleotidyl transferase 1; plus strand). Cytogenetic location: 3p26.2.
Variant type: single nucleotide variant.
Coding change: c.697A>G on transcript NM_182916.3 (MANE Select); coding-DNA position 697, A replaced by G.
Protein change: p.Ile233Val; replaces isoleucine 233 with valine.
Molecular consequence: missense variant. On other transcripts: non-coding transcript variant (6).
Genome position (GRCh38, 1-based): chr3:3,146,518, A>G. VCF-style: chr3-3146518-A-G. GRCh37 (hg19) VCF-style: chr3-3188202-A-G.
Other names: c.697A>G, p.Ile233Val (NM_001302946.2, NM_001367321.1, NM_001367322.1 and 1 more transcripts); short protein forms I233V.
Identifiers: ClinVar variation 960307 (VCV000960307.5), dbSNP rs377218988, ClinGen allele CA2228759.